The following is an entry in ClinVar:

ClinVar aggregate classification (germline): Uncertain significance (1 of 4 stars; one submission).

Conditions:
Immunodeficiency 14 (IMD14A). Also called: p110-DELTA-ACTIVATING MUTATION CAUSING SENESCENT T CELLS, LYMPHADENOPATHY, AND IMMUNODEFICIENCY; ACTIVATED PI3K-DELTA SYNDROME 1; Activated PI3K Delta Syndrome Type 1 (APDS1); IMMUNODEFICIENCY 14A WITH LYMPHOPROLIFERATION, AUTOSOMAL DOMINANT. Identifiers: Orphanet 397596, Orphanet 693661, MedGen C5907821, MONDO:0014222, OMIM 615513.

Submission:

Labcorp Genetics (formerly Invitae), Labcorp
Classification: Uncertain significance for Activated PI3K-delta syndrome. Last evaluated: 2025-04-09. Review status: criteria provided, single submitter. Criteria: Invitae Variant Classification Sherloc (09022015). Collection method: clinical testing. Allele origin: germline.
Comment: This sequence change falls in intron 8 of the PIK3CD gene. It does not directly change the encoded amino acid sequence of the PIK3CD protein. This variant is not present in population databases (gnomAD no frequency). This variant has not been reported in the literature in individuals affected with PIK3CD-related conditions. Algorithms developed to predict the effect of sequence changes on RNA splicing suggest that this variant may create or strengthen a splice site. In summary, the available evidence is currently insufficient to determine the role of this variant in disease. Therefore, it has been classified as a Variant of Uncertain Significance.

NM_005026.5(PIK3CD):c.1020+16T>C

Gene: PIK3CD (phosphatidylinositol-4,5-bisphosphate 3-kinase catalytic subunit delta; plus strand). Cytogenetic location: 1p36.22.
Variant type: single nucleotide variant.
Coding change: c.1020+16T>C on transcript NM_005026.5 (MANE Select); 16 bases into the intron after coding-DNA position 1020, T replaced by C.
Molecular consequence: intron variant.
Genome position (GRCh38, 1-based): chr1:9,717,642, T>C. VCF-style: chr1-9717642-T-C. GRCh37 (hg19) VCF-style: chr1-9777700-T-C.
Other names: c.1020+16T>C (NM_001437547.1, NM_001439206.1, NM_001437546.1 and 2 more transcripts); c.933+16T>C (NM_001350235.1).
Identifiers: ClinVar variation 4699708 (VCV004699708.1).